The following is an entry in ClinVar:

ClinVar aggregate classification (germline): Benign. Review status: criteria provided, multiple submitters, no conflicts (2 of 4 stars). 7 submissions from 7 submitters: Benign (6). 1 of the submissions does not count toward it. Last evaluated 2026-02-02.

Conditions:
Ehlers-Danlos syndrome (EDS). Identifiers: Orphanet 98249, MedGen C0013720, MONDO:0020066.
Ehlers-Danlos syndrome, dermatosparaxis type. Also called: EDS VIIC; Dermatosparaxis; Ehlers-Danlos syndrome, type VII, autosomal recessive. Identifiers: Orphanet 1901, MedGen C2700425, MONDO:0009161, OMIM 225410.

Allele frequency attached by ClinVar (database versions not stated): ExAC 0.00432; 1000 Genomes Project 0.00759; ESP Exome Variant Server 0.00842; 1000 Genomes Project 30x 0.00859; gnomAD 0.00862 and 0.00928; TOPMed 0.00961.
gnomAD v4.1: 2,499 of 1,550,264 alleles (0.16%); highest among the groups gnomAD compares: African/African-American, 3%; 49 homozygotes.

Submissions (7):

Labcorp Genetics (formerly Invitae), Labcorp
Classification: Benign for Ehlers-Danlos syndrome, dermatosparaxis type. Last evaluated: 2026-02-02. Review status: criteria provided, single submitter. Criteria: Invitae Variant Classification Sherloc (09022015). Collection method: clinical testing. Allele origin: germline.

Women's Health and Genetics/Laboratory Corporation of America, LabCorp
Classification: Benign. Last evaluated: 2026-01-22. Review status: criteria provided, single submitter. Criteria: LabCorp Variant Classification Summary - May 2015. Collection method: clinical testing. Allele origin: germline.

Mayo Clinic Laboratories, Mayo Clinic
Classification: Benign. Last evaluated: 2023-06-16. Review status: criteria provided, single submitter. Criteria: ACMG Guidelines, 2015. Collection method: clinical testing. Allele origin: germline. Observed: 19 variant alleles.
Comment: BS1, BS2

Genome Diagnostics Laboratory, The Hospital for Sick Children
Classification: Benign for Ehlers-Danlos syndrome. Last evaluated: 2020-02-01. Review status: criteria provided, single submitter. Criteria: ACMG Guidelines, 2015. Collection method: clinical testing. Allele origin: germline.

Illumina Laboratory Services, Illumina
Classification: Benign for Ehlers-Danlos syndrome, dermatosparaxis type. Last evaluated: 2018-01-12. Review status: criteria provided, single submitter. Criteria: ICSL Variant Classification Criteria 13 December 2019. Collection method: clinical testing. Allele origin: germline.
Comment: This variant was observed in the ICSL laboratory as part of a predisposition screen in an ostensibly healthy population. It had not been previously curated by ICSL or reported in the Human Gene Mutation Database (HGMD: prior to June 1st, 2018), and was therefore a candidate for classification through an automated scoring system. Utilizing variant allele frequency, disease prevalence and penetrance estimates, and inheritance mode, an automated score was calculated to assess if this variant is too frequent to cause the disease. Based on the score and internal cut-off values, a variant classified as benign is not then subjected to further curation. The score for this variant resulted in a classification of benign for this disease.

GeneDx
Classification: Benign. Last evaluated: 2017-11-28. Review status: criteria provided, single submitter. Criteria: GeneDx Variant Classification (06012015). Collection method: clinical testing. Allele origin: germline. Affected: yes.
Comment: This variant is considered likely benign or benign based on one or more of the following criteria: it is a conservative change, it occurs at a poorly conserved position in the protein, it is predicted to be benign by multiple in silico algorithms, and/or has population frequency not consistent with disease.

Natera, Inc.
Classification: Benign for Ehlers-Danlos syndrome type VIIC. Last evaluated: 2020-09-16. Review status: no assertion criteria provided. Collection method: clinical testing. Allele origin: germline. Not counted in ClinVar's aggregate classification.

NM_014244.5(ADAMTS2):c.1803G>A (p.Ser601=)

Gene: ADAMTS2 (ADAM metallopeptidase with thrombospondin type 1 motif 2; minus strand). Cytogenetic location: 5q35.3.
Variant type: single nucleotide variant.
Coding change: c.1803G>A on transcript NM_014244.5 (MANE Select); coding-DNA position 1803, G replaced by A.
Protein change: p.Ser601=; no amino-acid change (serine 601 retained).
Molecular consequence: synonymous variant.
Genome position (GRCh38, 1-based): chr5:179,137,917, C>T on the plus strand (G>A on the coding strand, the complement: ADAMTS2 is on the minus strand). VCF-style: chr5-179137917-C-T. GRCh37 (hg19) VCF-style: chr5-178564918-C-T.
Other names: p.Ser601=.
Identifiers: ClinVar variation 353119 (VCV000353119.20), dbSNP rs76754323, ClinGen allele CA3595772.